The following is an entry in ClinVar:

ClinVar aggregate classification (germline): Conflicting classifications of pathogenicity. Review status: criteria provided, conflicting classifications (1 of 4 stars). 2 submissions from 2 submitters: Likely pathogenic (1); Uncertain significance (1). Last evaluated 2025-02-14.

Conditions:
Tip-toe gait. Also called: Toe walking. Identifiers: MedGen C0427144, HP:0030051.

Allele frequency attached by ClinVar (database versions not stated): ExAC 0.00026; ESP Exome Variant Server 0.00032; gnomAD 0.00038 and 0.00040; TOPMed 0.00057; 1000 Genomes Project 0.00060; 1000 Genomes Project 30x 0.00094.
gnomAD v4.1: 290 of 1,610,690 alleles (0.018%); highest among the groups gnomAD compares: Middle Eastern, 0.083%; no homozygotes.

Submissions (2):

Practice for Gait Abnormalities, David Pomarino, Competency Network Toe Walking C/o Practice Pomarino
Classification: Likely pathogenic for Tip-toe gait. Last evaluated: 2025-02-14. Review status: criteria provided, single submitter. Criteria: Pomarino et al. (Glob Med Genet. 2023). Collection method: clinical testing. Allele origin: germline. Affected: yes.

Labcorp Genetics (formerly Invitae), Labcorp
Classification: Uncertain significance. Last evaluated: 2022-10-18. Review status: criteria provided, single submitter. Criteria: Invitae Variant Classification Sherloc (09022015). Collection method: clinical testing. Allele origin: germline.
Comment: This sequence change replaces proline, which is neutral and non-polar, with threonine, which is neutral and polar, at codon 1084 of the SBF1 protein (p.Pro1084Thr). This variant is present in population databases (rs368077071, gnomAD 0.04%). This variant has not been reported in the literature in individuals affected with SBF1-related conditions. ClinVar contains an entry for this variant (Variation ID: 1392534). Algorithms developed to predict the effect of missense changes on protein structure and function (SIFT, PolyPhen-2, Align-GVGD) all suggest that this variant is likely to be tolerated. In summary, the available evidence is currently insufficient to determine the role of this variant in disease. Therefore, it has been classified as a Variant of Uncertain Significance.

NM_002972.4(SBF1):c.3250C>A (p.Pro1084Thr)

Gene: SBF1 (SET binding factor 1; minus strand). Cytogenetic location: 22q13.33.
Variant type: single nucleotide variant.
Coding change: c.3250C>A on transcript NM_002972.4 (MANE Select); coding-DNA position 3250, C replaced by A.
Protein change: p.Pro1084Thr; replaces proline 1084 with threonine.
Molecular consequence: missense variant.
Genome position (GRCh38, 1-based): chr22:50,460,305, G>T on the plus strand (C>A on the coding strand, the complement: SBF1 is on the minus strand). VCF-style: chr22-50460305-G-T. GRCh37 (hg19) VCF-style: chr22-50898734-G-T.
Other names: c.3250C>A (NM_002972.3); c.3253C>A, p.Pro1085Thr (NM_001365819.1); short protein forms P1084T, P1085T.
Identifiers: ClinVar variation 1392534 (VCV001392534.4), dbSNP rs368077071, ClinGen allele CA10316806.